The following is an entry in ClinVar:

ClinVar aggregate classification (germline): Conflicting classifications of pathogenicity. Review status: criteria provided, conflicting classifications (1 of 4 stars). 3 submissions from 1 submitter: Uncertain significance (2); Benign (1). Last evaluated 2018-01-13.

Conditions:
Corticosterone 18-monooxygenase deficiency. Also called: ALDOSTERONE DEFICIENCY DUE TO DEFECT IN STEROID 18-HYDROXYLASE; ALDOSTERONE DEFICIENCY I; CMO I DEFICIENCY; STEROID 18-HYDROXYLASE DEFICIENCY; 18 Hydroxylase deficiency; Aldosterone deficiency due to defect in 18 hydroxylase. Identifiers: Orphanet 427, MedGen C0268293, MONDO:0008751, OMIM 203400. Disease mechanism: loss of function.
Corticosterone methyloxidase type 2 deficiency. Also called: 18-OXIDASE DEFICIENCY; ALDOSTERONE DEFICIENCY DUE TO DEFICIENCY OF STEROID 18-OXIDASE; ALDOSTERONE DEFICIENCY II; CMO II DEFICIENCY; STEROID 18-OXIDASE DEFICIENCY. Identifiers: Orphanet 427, MedGen C3463917, MONDO:0012524, OMIM 610600. Disease mechanism: loss of function.
Glucocorticoid-remediable aldosteronism. Also called: Hyperaldosteronism, familial, type I; ACTH-DEPENDENT HYPERALDOSTERONISM SYNDROME; ALDOSTERONISM, SENSITIVE TO DEXAMETHASONE; FH I; GLUCOCORTICOID-SUPPRESSIBLE HYPERALDOSTERONISM. Identifiers: Orphanet 403, MedGen C3838731, MONDO:0007080, OMIM 103900.

Allele frequency attached by ClinVar (database versions not stated): gnomAD below 0.00001 and 0.00005; TOPMed 0.00001; 1000 Genomes Project 0.00040; 1000 Genomes Project 30x 0.00062.

Submissions (3):

Illumina Laboratory Services, Illumina
Classification: Uncertain significance for Corticosterone methyloxidase type 2 deficiency. Last evaluated: 2018-01-13. Review status: criteria provided, single submitter. Criteria: ICSL Variant Classification Criteria 13 December 2019. Collection method: clinical testing. Allele origin: germline.

Illumina Laboratory Services, Illumina
Classification: Benign for Hyperaldosteronism, familial, type I. Last evaluated: 2018-01-13. Review status: criteria provided, single submitter. Criteria: ICSL Variant Classification Criteria 13 December 2019. Collection method: clinical testing. Allele origin: germline.
Comment: This variant was observed in the ICSL laboratory as part of a predisposition screen in an ostensibly healthy population. It had not been previously curated by ICSL or reported in the Human Gene Mutation Database (HGMD: prior to June 1st, 2018), and was therefore a candidate for classification through an automated scoring system. Utilizing variant allele frequency, disease prevalence and penetrance estimates, and inheritance mode, an automated score was calculated to assess if this variant is too frequent to cause the disease. Based on the score and internal cut-off values, a variant classified as benign is not then subjected to further curation. The score for this variant resulted in a classification of benign for this disease.

Illumina Laboratory Services, Illumina
Classification: Uncertain significance for Corticosterone 18-monooxygenase deficiency. Last evaluated: 2018-01-13. Review status: criteria provided, single submitter. Criteria: ICSL Variant Classification Criteria 13 December 2019. Collection method: clinical testing. Allele origin: germline.

NM_000498.3(CYP11B2):c.*566C>T

Genes: CYP11B2 (cytochrome P450 family 11 subfamily B member 2; minus strand), LOC106799834 (CYP11B2 recombination region; plus strand). Cytogenetic location: 8q24.3.
Variant type: single nucleotide variant.
Coding change: c.*566C>T on transcript NM_000498.3 (MANE Select); 566 bases downstream of the stop codon, C replaced by T.
Molecular consequence: 3 prime UTR variant.
Genome position (GRCh38, 1-based): chr8:142,911,414, G>A on the plus strand (C>T on the coding strand, the complement: CYP11B2 is on the minus strand). VCF-style: chr8-142911414-G-A. GRCh37 (hg19) VCF-style: chr8-143992830-G-A.
Identifiers: ClinVar variation 362182 (VCV000362182.5), dbSNP rs375938097, ClinGen allele CA10624973.
Genomic context (GRCh38, chr8:142,911,414, plus strand): 5'-ACACACGCCCCTCGAGACTCAGTTGTATCACTTGAAAATGTGTCAGGATAAGTGACCACA[G>A]GGGCCTTTTTAGTCTACCCTGCAGGATCGTATTCCAGGGTGACAACTTTCAGAGAGCTCA-3'